The following is an entry in ClinVar:

ClinVar aggregate classification (germline): Uncertain significance. Review status: criteria provided, multiple submitters, no conflicts (2 of 4 stars). 7 submissions from 7 submitters: Uncertain significance (6). 1 of the submissions does not count toward it. Last evaluated 2025-05-31.

Conditions:
TRIM32-related disorder. Also called: TRIM32-related condition.
Inborn genetic diseases. Identifiers: MedGen C0950123, MeSH D030342.
Bardet-Biedl syndrome 11 (BBS11). Identifiers: Orphanet 110, MedGen C1859569, MONDO:0014439, OMIM 615988.
Sarcotubular myopathy (LGMDR8). Also called: Autosomal recessive limb-girdle muscular dystrophy type 2H; MUSCULAR DYSTROPHY, LIMB-GIRDLE, AUTOSOMAL RECESSIVE 8; Limb-girdle muscular dystrophy, type 2H; Hutterite type of muscular dystrophy. Identifiers: Orphanet 1878, MedGen C0270968, MONDO:0009683, OMIM 254110.
Bardet-Biedl syndrome (BBS). Identifiers: Orphanet 110, MedGen C0752166, MONDO:0015229.

Allele frequency attached by ClinVar (database versions not stated): gnomAD exomes 0.00001 and 0.00005; gnomAD 0.00010 and 0.00012; ExAC 0.00007; ESP Exome Variant Server 0.00008; TOPMed 0.00016.
gnomAD v4.1: 30 of 1,613,948 alleles (0.0019%); highest among the groups gnomAD compares: African/African-American, 0.024%; no homozygotes.

Submissions (7):

GeneDx
Classification: Uncertain significance. Last evaluated: 2025-05-31. Review status: criteria provided, single submitter. Criteria: GeneDx Variant Classification Process June 2021. Collection method: clinical testing. Allele origin: germline. Affected: yes.
Comment: In silico analysis suggests that this missense variant does not alter protein structure/function; Has not been previously published as pathogenic or benign to our knowledge

Ambry Genetics
Classification: Uncertain significance for Inborn genetic diseases. Last evaluated: 2024-11-12. Review status: criteria provided, single submitter. Criteria: Ambry Variant Classification Scheme 2023. Collection method: clinical testing. Allele origin: germline.

Fulgent Genetics
Classification: Uncertain significance for Sarcotubular myopathy; Bardet-Biedl syndrome 11. Last evaluated: 2024-03-22. Review status: criteria provided, single submitter. Criteria: ACMG Guidelines, 2015. Collection method: clinical testing. Allele origin: germline.

Labcorp Genetics (formerly Invitae), Labcorp
Classification: Uncertain significance for Bardet-Biedl syndrome. Last evaluated: 2022-04-07. Review status: criteria provided, single submitter. Criteria: Invitae Variant Classification Sherloc (09022015). Collection method: clinical testing. Allele origin: germline.
Comment: This sequence change replaces proline, which is neutral and non-polar, with histidine, which is basic and polar, at codon 288 of the TRIM32 protein (p.Pro288His). This variant is present in population databases (rs367574371, gnomAD 0.04%). This variant has not been reported in the literature in individuals affected with TRIM32-related conditions. ClinVar contains an entry for this variant (Variation ID: 568344). Algorithms developed to predict the effect of missense changes on protein structure and function are either unavailable or do not agree on the potential impact of this missense change (SIFT: "Deleterious"; PolyPhen-2: "Probably Damaging"; Align-GVGD: "Class C15"). In summary, the available evidence is currently insufficient to determine the role of this variant in disease. Therefore, it has been classified as a Variant of Uncertain Significance.

Revvity Omics, Revvity
Classification: Uncertain significance. Last evaluated: 2022-03-09. Review status: criteria provided, single submitter. Criteria: ACMG Guidelines, 2015. Collection method: clinical testing. Allele origin: germline.

Athena Diagnostics
Classification: Uncertain significance. Last evaluated: 2020-11-12. Review status: criteria provided, single submitter. Criteria: Athena Diagnostics criteria. Collection method: clinical testing. Allele origin: unknown.

PreventionGenetics, part of Exact Sciences
Classification: Uncertain significance for TRIM32-related condition. Last evaluated: 2024-02-13. Review status: no assertion criteria provided. Collection method: clinical testing. Allele origin: germline. Not counted in ClinVar's aggregate classification.
Comment: The TRIM32 c.863C>A variant is predicted to result in the amino acid substitution p.Pro288His. To our knowledge, this variant has not been reported in the literature. This variant is reported in 0.036% of alleles in individuals of African descent in gnomAD. At this time, the clinical significance of this variant is uncertain due to the absence of conclusive functional and genetic evidence.

NM_012210.4(TRIM32):c.863C>A (p.Pro288His)

Genes: ASTN2 (astrotactin 2; minus strand), TRIM32 (tripartite motif containing 32; plus strand). Cytogenetic location: 9q33.1.
Variant type: single nucleotide variant.
Coding change: c.863C>A on transcript NM_012210.4 (MANE Select); coding-DNA position 863, C replaced by A.
Protein change: p.Pro288His; replaces proline 288 with histidine.
Molecular consequence: missense variant. On other transcripts: intron variant (3).
Genome position (GRCh38, 1-based): chr9:116,698,605, C>A. VCF-style: chr9-116698605-C-A. GRCh37 (hg19) VCF-style: chr9-119460884-C-A.
Other names: c.863C>A, p.Pro288His (NM_001099679.2, NM_001379048.1, NM_001379049.1 and 1 more transcripts); c.2653+27166G>T (NM_014010.5); c.2794+27166G>T (NM_001365069.1); c.2806+27166G>T (NM_001365068.1); short protein forms P288H.
Identifiers: ClinVar variation 568344 (VCV000568344.16), dbSNP rs367574371, ClinGen allele CA5211058.